The following is an entry in ClinVar:

ClinVar aggregate classification (germline): Uncertain significance (1 of 4 stars; one submission).

Conditions:
Dilated cardiomyopathy 1KK (CMD1KK). Identifiers: Orphanet 154, Orphanet 75249, MedGen C3714995, MONDO:0014100, OMIM 615248.

Allele frequency attached by ClinVar (database versions not stated): gnomAD exomes below 0.00001.
gnomAD v4.1: 1 of 1,612,808 alleles (0.000062%); highest among the groups gnomAD compares: Non-Finnish European, 0.000085%; no homozygotes.

Submission:

Labcorp Genetics (formerly Invitae), Labcorp
Classification: Uncertain significance for Dilated cardiomyopathy 1KK. Last evaluated: 2023-05-22. Review status: criteria provided, single submitter. Criteria: Invitae Variant Classification Sherloc (09022015). Collection method: clinical testing. Allele origin: germline.
Comment: In summary, the available evidence is currently insufficient to determine the role of this variant in disease. Therefore, it has been classified as a Variant of Uncertain Significance. Variants that disrupt the consensus splice site are a relatively common cause of aberrant splicing (PMID: 17576681, 9536098). Algorithms developed to predict the effect of sequence changes on RNA splicing suggest that this variant may disrupt the consensus splice site. An algorithm developed to predict the effect of missense changes on protein structure and function (PolyPhen-2) suggests that this variant is likely to be disruptive. ClinVar contains an entry for this variant (Variation ID: 1407561). This variant has not been reported in the literature in individuals affected with MYPN-related conditions. This variant is not present in population databases (gnomAD no frequency). This sequence change replaces lysine, which is basic and polar, with asparagine, which is neutral and polar, at codon 975 of the MYPN protein (p.Lys975Asn). This variant also falls at the last nucleotide of exon 13, which is part of the consensus splice site for this exon.

Literature cited by the submitters: PubMed 17576681; PubMed 9536098.

NM_032578.4(MYPN):c.2925G>T (p.Lys975Asn)

Gene: MYPN (myopalladin; plus strand). Cytogenetic location: 10q21.3.
Variant type: single nucleotide variant.
Coding change: c.2925G>T on transcript NM_032578.4 (MANE Select); coding-DNA position 2925, G replaced by T.
Protein change: p.Lys975Asn; replaces lysine 975 with asparagine.
Molecular consequence: missense variant. On other transcripts: non-coding transcript variant (2).
Genome position (GRCh38, 1-based): chr10:68,189,126, G>T. VCF-style: chr10-68189126-G-T. GRCh37 (hg19) VCF-style: chr10-69948883-G-T.
Other names: c.2925G>T, p.Lys975Asn (NM_001256267.2); c.2043G>T, p.Lys681Asn (NM_001256268.2); short protein forms K975N, K681N.
Identifiers: ClinVar variation 1407561 (VCV001407561.6), dbSNP rs2134258333, ClinGen allele CA376854142.
Genomic context (GRCh38, chr10:68,189,126, plus strand): 5'-GGTCACAGAAGGCTCTCCAGTTACATTCACCTGCAAAATTGTTGGGATACCTGTTCCAAA[G>T]GTAGGGAAGATGACAAGCCAGTTGGCCACCTCACAGCATGAAGCTATAGACAGTGCCTTC-3'
Protein context (NP_115967.2, residues 965-985): TCKIVGIPVP[Lys975Asn]VYWFKDGKQI